The following is an entry in ClinVar:

NM_006295.3(VARS1):c.638C>T (p.Ala213Val)

Genes: VARS1 (valyl-tRNA synthetase 1; minus strand), LOC126859651 (CDK7 strongly-dependent group 2 enhancer GRCh37_chr6:31759783-31760982; plus strand). Cytogenetic location: 6p21.33.
Variant type: single nucleotide variant.
Coding change: c.638C>T on transcript NM_006295.3 (MANE Select); coding-DNA position 638, C replaced by T.
Protein change: p.Ala213Val; replaces alanine 213 with valine.
Molecular consequence: missense variant.
Genome position (GRCh38, 1-based): chr6:31,792,780, G>A on the plus strand (C>T on the coding strand, the complement: VARS1 is on the minus strand). VCF-style: chr6-31792780-G-A. GRCh37 (hg19) VCF-style: chr6-31760557-G-A.
Other names: short protein forms A213V.
Identifiers: ClinVar variation 2571706 (VCV002571706.1), dbSNP rs1813971122, ClinGen allele CA363479358.

ClinVar aggregate classification (germline): Uncertain significance (1 of 4 stars; one submission).

Allele frequency attached by ClinVar (database versions not stated): TOPMed below 0.00001; gnomAD 0.00001.
gnomAD v4.1: 3 of 1,614,016 alleles (0.00019%); highest among the groups gnomAD compares: Non-Finnish European, 0.00025%; no homozygotes.

Submission:

GeneDx
Classification: Uncertain significance. Last evaluated: 2023-01-09. Review status: criteria provided, single submitter. Criteria: GeneDx Variant Classification Process June 2021. Collection method: clinical testing. Allele origin: germline. Affected: yes.
Comment: Not observed at significant frequency in large population cohorts (gnomAD); In silico analysis supports that this missense variant does not alter protein structure/function; Has not been previously published as pathogenic or benign to our knowledge